The following is an entry in ClinVar:

ClinVar aggregate classification (germline): Uncertain significance. Review status: criteria provided, multiple submitters, no conflicts (2 of 4 stars). 2 submissions from 2 submitters: Uncertain significance (2). Last evaluated 2025-07-30.

Conditions:
Costello syndrome (CSTLO). Also called: FCS SYNDROME; FACIOCUTANEOSKELETAL SYNDROME; HRAS-Related Costello Syndrome. Identifiers: Orphanet 3071, MedGen C0587248, MONDO:0009026, OMIM 218040.

Submissions (2):

GeneDx
Classification: Uncertain significance. Last evaluated: 2025-07-30. Review status: criteria provided, single submitter. Criteria: GeneDx Variant Classification Process June 2021. Collection method: clinical testing. Allele origin: germline. Affected: yes.
Comment: Not observed at significant frequency in large population cohorts (gnomAD); In silico analysis supports that this missense variant has a deleterious effect on protein structure/function; Missense variants in this gene are a common cause of disease and they are underrepresented in the general population; Has not been previously published as pathogenic or benign to our knowledge; This variant is associated with the following publications: (PMID: 40440572)

Labcorp Genetics (formerly Invitae), Labcorp
Classification: Uncertain significance for Costello syndrome. Last evaluated: 2022-08-16. Review status: criteria provided, single submitter. Criteria: Invitae Variant Classification Sherloc (09022015). Collection method: clinical testing. Allele origin: germline.
Comment: In summary, the available evidence is currently insufficient to determine the role of this variant in disease. Therefore, it has been classified as a Variant of Uncertain Significance. Advanced modeling of protein sequence and biophysical properties (such as structural, functional, and spatial information, amino acid conservation, physicochemical variation, residue mobility, and thermodynamic stability) performed at Invitae indicates that this missense variant is not expected to disrupt HRAS protein function. This variant has not been reported in the literature in individuals affected with HRAS-related conditions. This variant is not present in population databases (gnomAD no frequency). This sequence change replaces serine, which is neutral and polar, with asparagine, which is neutral and polar, at codon 65 of the HRAS protein (p.Ser65Asn).

NM_005343.4(HRAS):c.194G>A (p.Ser65Asn)

Genes: HRAS (HRas proto-oncogene, GTPase; minus strand), LRRC56 (leucine rich repeat containing 56; plus strand). Cytogenetic location: 11p15.5.
Variant type: single nucleotide variant.
Coding change: c.194G>A on transcript NM_005343.4 (MANE Select); coding-DNA position 194, G replaced by A.
Protein change: p.Ser65Asn; replaces serine 65 with asparagine.
Molecular consequence: missense variant. On other transcripts: 5 prime UTR variant (1).
Genome position (GRCh38, 1-based): chr11:533,862, C>T on the plus strand (G>A on the coding strand, the complement: HRAS is on the minus strand). VCF-style: chr11-533862-C-T. GRCh37 (hg19) VCF-style: chr11-533862-C-T.
Other names: c.194G>A (NM_005343.2); c.194G>A, p.Ser65Asn (NM_001130442.3, NM_176795.5); c.-126G>A (NM_001318054.2); short protein forms S65N.
Identifiers: ClinVar variation 2146410 (VCV002146410.5), dbSNP rs1851279668, ClinGen allele CA378924648.